The following is an entry in ClinVar:

NM_000219.6(KCNE1):c.39G>A (p.Leu13=)

Gene: KCNE1 (potassium voltage-gated channel subfamily E regulatory subunit 1; minus strand). Cytogenetic location: 21q22.12.
Variant type: single nucleotide variant.
Coding change: c.39G>A on transcript NM_000219.6 (MANE Select); coding-DNA position 39, G replaced by A.
Protein change: p.Leu13=; no amino-acid change (leucine 13 retained).
Molecular consequence: synonymous variant.
Genome position (GRCh38, 1-based): chr21:34,449,596, C>T on the plus strand (G>A on the coding strand, the complement: KCNE1 is on the minus strand). VCF-style: chr21-34449596-C-T. GRCh37 (hg19) VCF-style: chr21-35821894-C-T.
Other names: c.39G>A, p.Leu13= (NM_001127668.4, NM_001127669.4, NM_001127670.4 and 4 more transcripts).
Identifiers: ClinVar variation 3373881 (VCV003373881.2).
Genomic context (GRCh38, chr21:34,449,596, plus strand): 5'-CCTGCGGGCCAGGCCCGACATGTTGCCACCCTGCTGAACTGTCTCCTGCCACAGCTTGGT[C>T]AGAAAGGGCGTCACCGCTGTGGTGTTAGACAGGATCATCCTGGGCATTAAGGTTCCACTG-3'
Protein context (NP_000210.2, residues 3-23): LSNTTAVTPF[Leu13=]TKLWQETVQQ

Conditions:
Long QT syndrome 5 (LQT5). Identifiers: Orphanet 101016, Orphanet 768, MedGen C1867904, MONDO:0013372, OMIM 613695.

Submission:

Roden Lab, Vanderbilt University Medical Center
No classification provided (evidence only). Condition: Long QT syndrome 5. Review status: no classification provided. Collection method: in vitro. Allele origin: not applicable. Functional consequence: Effect on ion channel function.
ClinVar note: "not provided" was previously submitted as the classification for the variant. However, the classification appeared to be based only on an observation of functional data so it was converted to no classification on 2025-07-30.